The following is an entry in ClinVar:

NM_005188.4(CBL):c.2137A>G (p.Thr713Ala)

Gene: CBL (Cbl proto-oncogene; plus strand). Cytogenetic location: 11q23.3.
Variant type: single nucleotide variant.
Coding change: c.2137A>G on transcript NM_005188.4 (MANE Select); coding-DNA position 2137, A replaced by G.
Protein change: p.Thr713Ala; replaces threonine 713 with alanine.
Molecular consequence: missense variant.
Genome position (GRCh38, 1-based): chr11:119,297,018, A>G. VCF-style: chr11-119297018-A-G. GRCh37 (hg19) VCF-style: chr11-119167728-A-G.
Other names: short protein forms T713A.
Identifiers: ClinVar variation 3827875 (VCV003827875.1).

ClinVar aggregate classification (germline): Uncertain significance (1 of 4 stars; one submission).

Conditions:
Cardiovascular phenotype. Identifiers: MedGen CN230736.

Submission:

Ambry Genetics
Classification: Uncertain significance for Cardiovascular phenotype. Last evaluated: 2025-03-09. Review status: criteria provided, single submitter. Criteria: Ambry Variant Classification Scheme 2023. Collection method: clinical testing. Allele origin: germline.
Comment: The p.T713A variant (also known as c.2137A>G), located in coding exon 13 of the CBL gene, results from an A to G substitution at nucleotide position 2137. The threonine at codon 713 is replaced by alanine, an amino acid with similar properties. This amino acid position is conserved. In addition, this alteration is predicted to be tolerated by in silico analysis. Based on the available evidence, the clinical significance of this variant remains unclear.